The following is an entry in ClinVar:

ClinVar aggregate classification (germline): Uncertain significance. Review status: criteria provided, multiple submitters, no conflicts (2 of 4 stars). 2 submissions from 2 submitters: Uncertain significance (2). Last evaluated 2024-10-01.

Conditions:
Inborn genetic diseases. Identifiers: MedGen C0950123, MeSH D030342.

Allele frequency attached by ClinVar (database versions not stated): gnomAD exomes below 0.00001; TOPMed below 0.00001; ExAC 0.00001; gnomAD 0.00001.
gnomAD v4.1: 7 of 1,612,642 alleles (0.00043%); highest among the groups gnomAD compares: Non-Finnish European, 0.00059%; no homozygotes.

Submissions (2):

Athena Diagnostics
Classification: Uncertain significance. Last evaluated: 2024-10-01. Review status: criteria provided, single submitter. Criteria: Athena Diagnostics Criteria. Collection method: clinical testing. Allele origin: unknown.
Comment: Available data are insufficient to determine the clinical significance of the variant at this time. The frequency of this variant in the general population is uninformative in assessment of its pathogenicity. Polyphen and MutationTaster predict this amino acid change may be benign. The variant is located in a region that is considered important for protein function and/or structure.

Ambry Genetics
Classification: Uncertain significance for Inborn genetic diseases. Last evaluated: 2023-12-11. Review status: criteria provided, single submitter. Criteria: Ambry Variant Classification Scheme 2023. Collection method: clinical testing. Allele origin: germline.
Comment: The p.H2433R variant (also known as c.7298A>G), located in coding exon 49 of the LRRK2 gene, results from an A to G substitution at nucleotide position 7298. The histidine at codon 2433 is replaced by arginine, an amino acid with highly similar properties. This amino acid position is conserved. In addition, the in silico prediction for this alteration is inconclusive. Since supporting evidence is limited at this time, the clinical significance of this alteration remains unclear.

NM_198578.4(LRRK2):c.7298A>G (p.His2433Arg)

Gene: LRRK2 (leucine rich repeat kinase 2; plus strand). Cytogenetic location: 12q12.
Variant type: single nucleotide variant.
Coding change: c.7298A>G on transcript NM_198578.4 (MANE Select); coding-DNA position 7298, A replaced by G.
Protein change: p.His2433Arg; replaces histidine 2433 with arginine.
Molecular consequence: missense variant.
Genome position (GRCh38, 1-based): chr12:40,364,958, A>G. VCF-style: chr12-40364958-A-G. GRCh37 (hg19) VCF-style: chr12-40758760-A-G.
Other names: short protein forms H2433R.
Identifiers: ClinVar variation 1758132 (VCV001758132.3), dbSNP rs777900630, ClinGen allele CA6514894.